The following is an entry in ClinVar:

NM_001081.4(CUBN):c.10644T>A (p.Leu3548=)

Gene: CUBN (cubilin; minus strand). Cytogenetic location: 10p13.
Variant type: single nucleotide variant.
Coding change: c.10644T>A on transcript NM_001081.4 (MANE Select); coding-DNA position 10644, T replaced by A.
Protein change: p.Leu3548=; no amino-acid change (leucine 3548 retained).
Molecular consequence: synonymous variant.
Genome position (GRCh38, 1-based): chr10:16,828,925, A>T on the plus strand (T>A on the coding strand, the complement: CUBN is on the minus strand). VCF-style: chr10-16828925-A-T. GRCh37 (hg19) VCF-style: chr10-16870924-A-T.
Identifiers: ClinVar variation 2058356 (VCV002058356.6), dbSNP rs142314056, ClinGen allele CA5422327.

ClinVar aggregate classification (germline): Likely benign. Review status: criteria provided, single submitter (1 of 4 stars). 2 submissions from 2 submitters: Likely benign (1). 1 of the submissions does not count toward it. Last evaluated 2022-08-13.

Conditions:
Imerslund-Grasbeck syndrome. Also called: ENTEROCYTE COBALAMIN MALABSORPTION; ENTEROCYTE INTRINSIC FACTOR RECEPTOR, DEFECT OF; PERNICIOUS ANEMIA, JUVENILE, DUE TO SELECTIVE INTESTINAL MALABSORPTION OF VITAMIN B12, WITH PROTEINURIA; Imerslund-Gräsbeck syndrome; Megaloblastic anemia due to inborn errors of metabolism. Identifiers: Orphanet 35858, MedGen C4551825, MONDO:0009853.
CUBN-related disorder. Also called: CUBN-related condition.

Allele frequency attached by ClinVar (database versions not stated): gnomAD exomes below 0.00001; gnomAD 0.00007; TOPMed 0.00008; ESP Exome Variant Server 0.00015; ExAC 0.00001.
gnomAD v4.1: 11 of 1,614,140 alleles (0.00068%); highest among the groups gnomAD compares: African/African-American, 0.012%; no homozygotes.

Submissions (2):

Labcorp Genetics (formerly Invitae), Labcorp
Classification: Likely benign for Imerslund-Grasbeck syndrome. Last evaluated: 2022-08-13. Review status: criteria provided, single submitter. Criteria: Invitae Variant Classification Sherloc (09022015). Collection method: clinical testing. Allele origin: germline.

PreventionGenetics, part of Exact Sciences
Classification: Likely benign for CUBN-related condition. Last evaluated: 2022-04-07. Review status: no assertion criteria provided. Collection method: clinical testing. Allele origin: germline. Not counted in ClinVar's aggregate classification.
Comment: This variant is classified as likely benign based on ACMG/AMP sequence variant interpretation guidelines (Richards et al. 2015 PMID: 25741868, with internal and published modifications).